The following is an entry in ClinVar:

NM_024753.5(TTC21B):c.584C>T (p.Ser195Leu)

Genes: TTC21B (tetratricopeptide repeat domain 21B; minus strand), TTC21B-AS1 (TTC21B antisense RNA 1; plus strand). Cytogenetic location: 2q24.3.
Variant type: single nucleotide variant.
Coding change: c.584C>T on transcript NM_024753.5 (MANE Select); coding-DNA position 584, C replaced by T.
Protein change: p.Ser195Leu; replaces serine 195 with leucine.
Molecular consequence: missense variant.
Genome position (GRCh38, 1-based): chr2:165,941,153, G>A on the plus strand (C>T on the coding strand, the complement: TTC21B is on the minus strand). VCF-style: chr2-165941153-G-A. GRCh37 (hg19) VCF-style: chr2-166797663-G-A.
Other names: short protein forms S195L.
Identifiers: ClinVar variation 1442385 (VCV001442385.6), dbSNP rs2105360604, ClinGen allele CA349051192.
Genomic context (GRCh38, chr2:165,941,153, plus strand): 5'-AAAGCAGGAAGGAAGCTCGGAAAATTCACGATTATCTGGTTCACAGTCTCCAGGGCACCT[G>A]AATAATTCTGGCGCATCTCAAGGCATTGTGCCTAATGGAAGGGAAAAAAAGTGATATCCA-3'
Protein context (NP_079029.3, residues 185-205): AQCLEMRQNY[Ser195Leu]GALETVNQII

ClinVar aggregate classification (germline): Uncertain significance (1 of 4 stars; one submission).

Conditions:
Jeune thoracic dystrophy. Also called: Jeune syndrome; Infantile thoracic dystrophy; Thoracic pelvic phalangeal dystrophy; Jeune's syndrome; Chondroectodermal dysplasia-like syndrome; Short-rib thoracic dysplasia. Identifiers: Orphanet 474, MedGen C0265275, MONDO:0018770.
Nephronophthisis. Also called: Juvenile Nephronophthisis. Identifiers: Orphanet 655, MedGen C0687120, MONDO:0019005, HP:0000090.

Submission:

Labcorp Genetics (formerly Invitae), Labcorp
Classification: Uncertain significance for Jeune thoracic dystrophy; Nephronophthisis. Last evaluated: 2021-09-08. Review status: criteria provided, single submitter. Criteria: Invitae Variant Classification Sherloc (09022015). Collection method: clinical testing. Allele origin: germline.
Comment: This sequence change replaces serine with leucine at codon 195 of the TTC21B protein (p.Ser195Leu). The serine residue is highly conserved and there is a large physicochemical difference between serine and leucine. This variant is not present in population databases (ExAC no frequency). This variant has not been reported in the literature in individuals affected with TTC21B-related conditions. Algorithms developed to predict the effect of missense changes on protein structure and function output the following: SIFT: "Tolerated"; PolyPhen-2: "Benign"; Align-GVGD: "Class C0". The leucine amino acid residue is found in multiple mammalian species, which suggests that this missense change does not adversely affect protein function. In summary, the available evidence is currently insufficient to determine the role of this variant in disease. Therefore, it has been classified as a Variant of Uncertain Significance.